The following is an entry in ClinVar:

NC_000006.12:g.(?_64945793)_(64997703_?)del

Gene: EYS (eyes shut homolog; minus strand). Cytogenetic location: 6q12.
Variant type: Deletion.
Identifiers: ClinVar variation 830706 (VCV000830706.1).

ClinVar aggregate classification (germline): Pathogenic (1 of 4 stars; one submission).

Submission:

Labcorp Genetics (formerly Invitae), Labcorp
Classification: Pathogenic. Last evaluated: 2020-01-06. Review status: criteria provided, single submitter. Criteria: Invitae Variant Classification Sherloc (09022015). Collection method: clinical testing. Allele origin: germline.
Comment: This variant is an out-of-frame deletion of the genomic region encompassing exons 14 to 15 of the EYS gene. This is expected to create a premature translational stop signal and result in an absent or disrupted protein product. This variant has not been reported in the literature in individuals with EYS-related conditions. Loss-of-function variants in EYS are known to be pathogenic (PMID: 18836446, 20333770). For these reasons, this variant has been classified as Pathogenic.